The following is an entry in ClinVar:

NM_001374353.1(GLI2):c.3689A>G (p.Tyr1230Cys)

Gene: GLI2 (GLI family zinc finger 2; plus strand). Cytogenetic location: 2q14.2.
Variant type: single nucleotide variant.
Coding change: c.3689A>G on transcript NM_001374353.1 (MANE Select); coding-DNA position 3689, A replaced by G.
Protein change: p.Tyr1230Cys; replaces tyrosine 1230 with cysteine.
Molecular consequence: missense variant.
Genome position (GRCh38, 1-based): chr2:120,989,654, A>G. VCF-style: chr2-120989654-A-G. GRCh37 (hg19) VCF-style: chr2-121747230-A-G.
Other names: c.3740A>G, p.Tyr1247Cys (NM_001371271.1, NM_005270.5); c.3314A>G, p.Tyr1105Cys (NM_001374354.1); short protein forms Y1105C, Y1230C, Y1247C.
Identifiers: ClinVar variation 2923352 (VCV002923352.3), dbSNP rs377085645, ClinGen allele CA1852474.

ClinVar aggregate classification (germline): Uncertain significance (1 of 4 stars; one submission).

Conditions:
Holoprosencephaly 9 (HPE9). Also called: PITUITARY ANOMALIES WITH HOLOPROSENCEPHALY-LIKE FEATURES; HOLOPROSENCEPHALY WITH MICROPHTHALMIA AND FIRST BRANCHIAL ARCH ANOMALIES. Identifiers: Orphanet 2162, MedGen C1835819, MONDO:0012563, OMIM 610829.
Postaxial polydactyly-anterior pituitary anomalies-facial dysmorphism syndrome. Also called: Culler-Jones syndrome. Identifiers: Orphanet 420584, MedGen C4014479, MONDO:0014369, OMIM 615849.

Allele frequency attached by ClinVar (database versions not stated): gnomAD exomes below 0.00001; TOPMed below 0.00001; ExAC 0.00002; ESP Exome Variant Server 0.00008.
gnomAD v4.1: 2 of 1,613,410 alleles (0.00012%); highest among the groups gnomAD compares: Non-Finnish European, 0.000085%; no homozygotes.

Submission:

Labcorp Genetics (formerly Invitae), Labcorp
Classification: Uncertain significance for Postaxial polydactyly-anterior pituitary anomalies-facial dysmorphism syndrome; Holoprosencephaly 9. Last evaluated: 2023-08-10. Review status: criteria provided, single submitter. Criteria: Invitae Variant Classification Sherloc (09022015). Collection method: clinical testing. Allele origin: germline.
Comment: In summary, the available evidence is currently insufficient to determine the role of this variant in disease. Therefore, it has been classified as a Variant of Uncertain Significance. Advanced modeling of protein sequence and biophysical properties (such as structural, functional, and spatial information, amino acid conservation, physicochemical variation, residue mobility, and thermodynamic stability) performed at Invitae indicates that this missense variant is not expected to disrupt GLI2 protein function. This variant has not been reported in the literature in individuals affected with GLI2-related conditions. This variant is present in population databases (rs377085645, gnomAD 0.002%). This sequence change replaces tyrosine, which is neutral and polar, with cysteine, which is neutral and slightly polar, at codon 1247 of the GLI2 protein (p.Tyr1247Cys).